The following is an entry in ClinVar:

NM_005461.5(MAFB):c.617G>A (p.Ser206Asn)

Gene: MAFB (MAF bZIP transcription factor B; minus strand). Cytogenetic location: 20q12.
Variant type: single nucleotide variant.
Coding change: c.617G>A on transcript NM_005461.5 (MANE Select); coding-DNA position 617, G replaced by A.
Protein change: p.Ser206Asn; replaces serine 206 with asparagine.
Molecular consequence: missense variant.
Genome position (GRCh38, 1-based): chr20:40,688,234, C>T on the plus strand (G>A on the coding strand, the complement: MAFB is on the minus strand). VCF-style: chr20-40688234-C-T. GRCh37 (hg19) VCF-style: chr20-39316874-C-T.
Other names: short protein forms S206N.
Identifiers: ClinVar variation 1525186 (VCV001525186.31), dbSNP rs909242045, ClinGen allele CA314859148.

ClinVar aggregate classification (germline): Uncertain significance. Review status: criteria provided, multiple submitters, no conflicts (2 of 4 stars). 3 submissions from 3 submitters: Uncertain significance (3). Last evaluated 2023-11-01.

Conditions:
Multicentric carpo-tarsal osteolysis with or without nephropathy. Also called: Multicentric Carpotarsal Osteolysis with or without Nephropathy; Multicentric Osteolysis of Carpal Bones and Nephropathy; OSTEOLYSIS, HEREDITARY, OF CARPAL BONES WITH OR WITHOUT NEPHROPATHY; MULTICENTRIC CARPOTARSAL OSTEOLYSIS SYNDROME; Carnevale Canun Mendoza syndrome; MULTICENTRIC OSTEOLYSIS, AUTOSOMAL DOMINANT. Identifiers: Orphanet 2774, MedGen C2674705, MONDO:0008152, OMIM 166300.
Duane retraction syndrome 3 with or without deafness (DURS3). Also called: DUANE RETRACTION SYNDROME 3; Duane syndrome type 3. Identifiers: Orphanet 233, MedGen C4310752, MONDO:0014880, OMIM 617041.

Allele frequency attached by ClinVar (database versions not stated): gnomAD 0.00002; TOPMed 0.00002.

Submissions (3):

CeGaT Center for Human Genetics Tuebingen
Classification: Uncertain significance. Last evaluated: 2023-11-01. Review status: criteria provided, single submitter. Criteria: CeGaT Center For Human Genetics Tuebingen Variant Classification Criteria Version 2. Collection method: clinical testing. Allele origin: germline. Affected: yes. Observed: 1 variant allele.

Labcorp Genetics (formerly Invitae), Labcorp
Classification: Uncertain significance. Last evaluated: 2023-08-30. Review status: criteria provided, single submitter. Criteria: Invitae Variant Classification Sherloc (09022015). Collection method: clinical testing. Allele origin: germline.
Comment: Advanced modeling of protein sequence and biophysical properties (such as structural, functional, and spatial information, amino acid conservation, physicochemical variation, residue mobility, and thermodynamic stability) performed at Invitae indicates that this missense variant is not expected to disrupt MAFB protein function. ClinVar contains an entry for this variant (Variation ID: 1525186). This variant has not been reported in the literature in individuals affected with MAFB-related conditions. This variant is not present in population databases (gnomAD no frequency). This sequence change replaces serine, which is neutral and polar, with asparagine, which is neutral and polar, at codon 206 of the MAFB protein (p.Ser206Asn). In summary, the available evidence is currently insufficient to determine the role of this variant in disease. Therefore, it has been classified as a Variant of Uncertain Significance.

Fulgent Genetics
Classification: Uncertain significance for Multicentric carpo-tarsal osteolysis with or without nephropathy; Duane retraction syndrome 3 with or without deafness. Last evaluated: 2021-11-23. Review status: criteria provided, single submitter. Criteria: ACMG Guidelines, 2015. Collection method: clinical testing. Allele origin: unknown.